The following is an entry in ClinVar:

NM_001371623.1(TCOF1):c.1393C>T (p.Gln465Ter)

Gene: TCOF1 (treacle ribosome biogenesis factor 1; plus strand). Cytogenetic location: 5q32.
Variant type: single nucleotide variant.
Coding change: c.1393C>T on transcript NM_001371623.1 (MANE Select); coding-DNA position 1393, C replaced by T.
Protein change: p.Gln465Ter; replaces glutamine 465 with a stop codon.
Molecular consequence: nonsense.
Genome position (GRCh38, 1-based): chr5:150,375,068, C>T. VCF-style: chr5-150375068-C-T. GRCh37 (hg19) VCF-style: chr5-149754631-C-T.
Other names: c.1162C>T, p.Gln388Ter (NM_000356.4, NM_001135245.2); c.1393C>T, p.Gln465Ter (NM_001008657.3, NM_001135243.2, NM_001135244.2 and 1 more transcripts); short protein forms Q388*, Q465*.
Identifiers: ClinVar variation 4055781 (VCV004055781.1).

ClinVar aggregate classification (germline): Pathogenic (1 of 4 stars; one submission).

Submission:

GeneDx
Classification: Pathogenic. Last evaluated: 2025-01-06. Review status: criteria provided, single submitter. Criteria: GeneDx Variant Classification Process June 2021. Collection method: clinical testing. Allele origin: germline. Affected: yes.
Comment: Nonsense variant predicted to result in protein truncation or nonsense mediated decay in a gene for which loss of function is a known mechanism of disease; Not observed at significant frequency in large population cohorts (gnomAD); This variant is associated with the following publications: (PMID: 32909271)